The following is an entry in ClinVar:

ClinVar aggregate classification (germline): Pathogenic. Review status: criteria provided, multiple submitters, no conflicts (2 of 4 stars). 3 submissions from 3 submitters: Pathogenic (3). Last evaluated 2023-04-11.

Conditions:
Microcephaly 5, primary, autosomal recessive (MCPH5). Also called: ASPM Primary Microcephaly. Identifiers: Orphanet 2512, MedGen C1837501, MONDO:0012106, OMIM 608716.

Allele frequency attached by ClinVar (database versions not stated): ExAC 0.00001; TOPMed 0.00001; gnomAD 0.00003; ESP Exome Variant Server 0.00008.

Submissions (3):

Genome-Nilou Lab
Classification: Pathogenic for Microcephaly 5, primary, autosomal recessive. Last evaluated: 2023-04-11. Review status: criteria provided, single submitter. Criteria: ACMG Guidelines, 2015. Collection method: clinical testing. Allele origin: germline. Affected: no.

Labcorp Genetics (formerly Invitae), Labcorp
Classification: Pathogenic. Last evaluated: 2022-08-15. Review status: criteria provided, single submitter. Criteria: Invitae Variant Classification Sherloc (09022015). Collection method: clinical testing. Allele origin: germline.
Comment: For these reasons, this variant has been classified as Pathogenic. ClinVar contains an entry for this variant (Variation ID: 234655). This variant has not been reported in the literature in individuals affected with ASPM-related conditions. This variant is present in population databases (rs147622433, gnomAD 0.007%). This sequence change creates a premature translational stop signal (p.Trp1474*) in the ASPM gene. It is expected to result in an absent or disrupted protein product. Loss-of-function variants in ASPM are known to be pathogenic (PMID: 19028728, 23611254).

GeneDx
Classification: Pathogenic. Last evaluated: 2021-05-21. Review status: criteria provided, single submitter. Criteria: GeneDx Variant Classification Process June 2021. Collection method: clinical testing. Allele origin: germline. Affected: yes.
Comment: Has not been previously published as pathogenic or benign to our knowledge; Nonsense variant predicted to result in protein truncation or nonsense mediated decay in a gene for which loss-of-function is a known mechanism of disease; Not observed at a significant frequency in large population cohorts (Lek et al., 2016)

Literature cited by the submitters: PubMed 19028728 (cited by Labcorp Genetics (formerly Invitae), Labcorp); PubMed 23611254 (cited by Labcorp Genetics (formerly Invitae), Labcorp).

NM_018136.5(ASPM):c.4422G>A (p.Trp1474Ter)

Gene: ASPM (assembly factor for spindle microtubules; minus strand). Cytogenetic location: 1q31.3.
Variant type: single nucleotide variant.
Coding change: c.4422G>A on transcript NM_018136.5 (MANE Select); coding-DNA position 4422, G replaced by A.
Protein change: p.Trp1474Ter; replaces tryptophan 1474 with a stop codon.
Molecular consequence: nonsense. On other transcripts: intron variant (1).
Genome position (GRCh38, 1-based): chr1:197,104,829, C>T on the plus strand (G>A on the coding strand, the complement: ASPM is on the minus strand). VCF-style: chr1-197104829-C-T. GRCh37 (hg19) VCF-style: chr1-197073959-C-T.
Other names: c.4066-8665G>A (NM_001206846.2); short protein forms W1474*.
Identifiers: ClinVar variation 234655 (VCV000234655.9), dbSNP rs147622433, ClinGen allele CA1309933.
Genomic context (GRCh38, chr1:197,104,829, plus strand): 5'-AATGATAACAACACAAGATCTAATATAAATATATTTCCGTAATTCTTTATGCATTCTATA[C>T]CATGATTGTATGATAATAGCAGAATTTTCTTCTTTAGCTTGTTTTCTTAAATGCCATTCT-3'